The following is an entry in ClinVar:

NM_000540.3(RYR1):c.12869C>T (p.Ala4290Val)

Gene: RYR1 (ryanodine receptor 1; plus strand). Cytogenetic location: 19q13.2.
Variant type: single nucleotide variant.
Coding change: c.12869C>T on transcript NM_000540.3 (MANE Select); coding-DNA position 12869, C replaced by T.
Protein change: p.Ala4290Val; replaces alanine 4290 with valine.
Molecular consequence: missense variant.
Genome position (GRCh38, 1-based): chr19:38,565,203, C>T. VCF-style: chr19-38565203-C-T. GRCh37 (hg19) VCF-style: chr19-39055843-C-T.
Other names: c.12854C>T, p.Ala4285Val (NM_001042723.2); short protein forms A4290V, A4285V.
Identifiers: ClinVar variation 544505 (VCV000544505.55), dbSNP rs755065800, ClinGen allele CA059496.

ClinVar aggregate classification (germline): Conflicting classifications of pathogenicity. Review status: criteria provided, conflicting classifications (1 of 4 stars). 4 submissions from 4 submitters: Uncertain significance (1); Likely benign (2). 1 of the submissions does not count toward it. Last evaluated 2026-09-01.

Conditions:
King Denborough syndrome (KDS). Identifiers: MedGen C1840365, MONDO:0020485, OMIM 619542.
Malignant hyperthermia, susceptibility to, 1 (MHS1). Also called: Malignant hyperthermia suceptibility 1; RYR1-Related Malignant Hyperthermia Susceptibility; Anesthesia related hyperthermia; Malignant hyperpyrexia; Fulminating hyperpyrexia; Pharmacogenic myopathy. Identifiers: Orphanet 423, MedGen C2930980, MONDO:0007783, OMIM 145600.
Central core myopathy (CMYO1A). Also called: Central core disease; Myopathy, central fibrillar; CONGENITAL MYOPATHY 1A, AUTOSOMAL DOMINANT, WITH SUSCEPTIBILITY TO MALIGNANT HYPERTHERMIA. Identifiers: Orphanet 597, MedGen C5830701, MONDO:0007294, OMIM 117000.
Congenital multicore myopathy with external ophthalmoplegia (CMYO1B). Also called: Congenital myopathy 1B, autosomal recessive; Minicore myopathy; MULTICORE MYOPATHY; MULTIMINICORE DISEASE WITH EXTERNAL OPHTHALMOPLEGIA; Minicore myopathy with external ophthalmoplegia. Identifiers: Orphanet 598, Orphanet 98905, MedGen C1850674, MONDO:0009712, OMIM 255320, HP:0003789.
RYR1-related disorder. Also called: RYR1-related condition; RYR1-related disorders. Identifiers: MedGen CN239331.

Allele frequency attached by ClinVar (database versions not stated): gnomAD exomes 0.00031; 1000 Genomes Project 30x 0.00234; gnomAD 0.00274 and 0.00298; TOPMed 0.00317.
gnomAD v4.1: 680 of 1,005,642 alleles (0.068%); highest among the groups gnomAD compares: African/African-American, 0.95%; 3 homozygotes.

Submissions (4):

CeGaT Center for Human Genetics Tuebingen
Classification: Likely benign. Last evaluated: 2026-09-01. Review status: criteria provided, single submitter. Criteria: CeGaT Center For Human Genetics Tuebingen Variant Classification Criteria Version 2. Collection method: clinical testing. Allele origin: germline. Affected: yes. Observed: 6 variant alleles.
Comment: RYR1: PP3, BS2

Labcorp Genetics (formerly Invitae), Labcorp
Classification: Likely benign for RYR1-related disorder. Last evaluated: 2026-01-28. Review status: criteria provided, single submitter. Criteria: Invitae Variant Classification Sherloc (09022015). Collection method: clinical testing. Allele origin: germline.

Department of Pathology and Laboratory Medicine, Sinai Health System
Classification: Uncertain significance for Central core myopathy; Malignant hyperthermia, susceptibility to, 1; Congenital multicore myopathy with external ophthalmoplegia; King Denborough syndrome. Last evaluated: 2021-12-08. Review status: criteria provided, single submitter. Criteria: ACMG Guidelines, 2015. Collection method: research. Allele origin: germline.

PreventionGenetics, part of Exact Sciences
Classification: Likely benign for RYR1-related condition. Last evaluated: 2023-08-06. Review status: no assertion criteria provided. Collection method: clinical testing. Allele origin: germline. Not counted in ClinVar's aggregate classification.
Comment: This variant is classified as likely benign based on ACMG/AMP sequence variant interpretation guidelines (Richards et al. 2015 PMID: 25741868, with internal and published modifications).